The following is an entry in ClinVar:

ClinVar aggregate classification (germline): Uncertain significance. Review status: criteria provided, multiple submitters, no conflicts (2 of 4 stars). 2 submissions from 2 submitters: Uncertain significance (2). Last evaluated 2025-07-04.

Allele frequency attached by ClinVar (database versions not stated): TOPMed 0.00009; gnomAD 0.00012; 1000 Genomes Project 30x 0.00016; 1000 Genomes Project 0.00020; ExAC 0.00026.
gnomAD v4.1: 245 of 1,613,602 alleles (0.015%); highest among the groups gnomAD compares: Middle Eastern, 0.15%; 2 homozygotes.

Submissions (2):

Labcorp Genetics (formerly Invitae), Labcorp
Classification: Uncertain significance. Last evaluated: 2025-07-04. Review status: criteria provided, single submitter. Criteria: Invitae Variant Classification Sherloc (09022015). Collection method: clinical testing. Allele origin: germline.
Comment: This sequence change replaces proline, which is neutral and non-polar, with alanine, which is neutral and non-polar, at codon 148 of the ZDBF2 protein (p.Pro148Ala). This variant is present in population databases (rs568368740, gnomAD 0.1%), and has an allele count higher than expected for a pathogenic variant. This variant has not been reported in the literature in individuals affected with ZDBF2-related conditions. ClinVar contains an entry for this variant (Variation ID: 3192611). An algorithm developed to predict the effect of missense changes on protein structure and function (PolyPhen-2) suggests that this variant is likely to be disruptive. In summary, the available evidence is currently insufficient to determine the role of this variant in disease. Therefore, it has been classified as a Variant of Uncertain Significance.

Ambry Genetics
Classification: Uncertain significance. Last evaluated: 2024-01-23. Review status: criteria provided, single submitter. Criteria: Ambry Variant Classification Scheme 2023. Collection method: clinical testing. Allele origin: germline.

NM_020923.3(ZDBF2):c.442C>G (p.Pro148Ala)

Gene: ZDBF2 (zinc finger DBF-type containing 2; plus strand). Cytogenetic location: 2q33.3.
Variant type: single nucleotide variant.
Coding change: c.442C>G on transcript NM_020923.3 (MANE Select); coding-DNA position 442, C replaced by G.
Protein change: p.Pro148Ala; replaces proline 148 with alanine.
Molecular consequence: missense variant.
Genome position (GRCh38, 1-based): chr2:206,304,970, C>G. VCF-style: chr2-206304970-C-G. GRCh37 (hg19) VCF-style: chr2-207169694-C-G.
Other names: c.436C>G, p.Pro146Ala (NM_001285549.2); c.442C>G, p.Pro148Ala (NM_001369654.1); short protein forms P148A, P146A.
Identifiers: ClinVar variation 3192611 (VCV003192611.2), dbSNP rs568368740, ClinGen allele CA2071687.